The following is an entry in ClinVar:

NM_006088.6(TUBB4B):c.1159G>T (p.Ala387Ser)

Gene: TUBB4B (tubulin beta 4B class IVb; plus strand). Cytogenetic location: 9q34.3.
Variant type: single nucleotide variant.
Coding change: c.1159G>T on transcript NM_006088.6 (MANE Select); coding-DNA position 1159, G replaced by T.
Protein change: p.Ala387Ser; replaces alanine 387 with serine.
Molecular consequence: missense variant.
Genome position (GRCh38, 1-based): chr9:137,243,377, G>T. VCF-style: chr9-137243377-G-T. GRCh37 (hg19) VCF-style: chr9-140137829-G-T.
Other names: short protein forms A387S.
Identifiers: ClinVar variation 2027239 (VCV002027239.4), dbSNP rs2538829879, ClinGen allele CA375756035.

ClinVar aggregate classification (germline): Uncertain significance (1 of 4 stars; one submission).

Submission:

Labcorp Genetics (formerly Invitae), Labcorp
Classification: Uncertain significance. Last evaluated: 2022-08-27. Review status: criteria provided, single submitter. Criteria: Invitae Variant Classification Sherloc (09022015). Collection method: clinical testing. Allele origin: germline.
Comment: In summary, the available evidence is currently insufficient to determine the role of this variant in disease. Therefore, it has been classified as a Variant of Uncertain Significance. Algorithms developed to predict the effect of missense changes on protein structure and function are either unavailable or do not agree on the potential impact of this missense change (SIFT: "Deleterious"; PolyPhen-2: "Benign"; Align-GVGD: "Class C0"). This variant has not been reported in the literature in individuals affected with TUBB4B-related conditions. This variant is not present in population databases (gnomAD no frequency). This sequence change replaces alanine, which is neutral and non-polar, with serine, which is neutral and polar, at codon 387 of the TUBB4B protein (p.Ala387Ser).